The following is an entry in ClinVar:

NM_017636.4(TRPM4):c.3550C>A (p.Arg1184Ser)

Gene: TRPM4 (transient receptor potential cation channel subfamily M member 4; plus strand). Cytogenetic location: 19q13.33.
Variant type: single nucleotide variant.
Coding change: c.3550C>A on transcript NM_017636.4 (MANE Select); coding-DNA position 3550, C replaced by A.
Protein change: p.Arg1184Ser; replaces arginine 1184 with serine.
Molecular consequence: missense variant.
Genome position (GRCh38, 1-based): chr19:49,211,179, C>A. VCF-style: chr19-49211179-C-A. GRCh37 (hg19) VCF-style: chr19-49714436-C-A.
Other names: c.3115C>A, p.Arg1039Ser (NM_001195227.2); c.3205C>A, p.Arg1069Ser (NM_001321281.2); c.1942C>A, p.Arg648Ser (NM_001321282.2); c.3028C>A, p.Arg1010Ser (NM_001321283.2); c.2488C>A, p.Arg830Ser (NM_001321285.2); short protein forms R1010S, R1184S, R1069S, R830S, R1039S, R648S.
Identifiers: ClinVar variation 2448580 (VCV002448580.6), dbSNP rs779436318, ClinGen allele CA9569970.
Genomic context (GRCh38, chr19:49,211,179, plus strand): 5'-GGCAGGGGTCCCATCTCCCGCTCTGACATTCCTCCCATTCCGCAGGTCCAGCAGTGTAGC[C>A]GCGTCCTGGGGTGGGTGGCCGAGGCCCTGAGCCGCTCTGCCTTGCTGCCCCCAGGTGGGC-3'
Protein context (NP_060106.2, residues 1174-1194): VLEREVQQCS[Arg1184Ser]VLGWVAEALS

ClinVar aggregate classification (germline): Uncertain significance. Review status: criteria provided, multiple submitters, no conflicts (2 of 4 stars). 2 submissions from 2 submitters: Uncertain significance (2). Last evaluated 2025-06-12.

Conditions:
Cardiovascular phenotype. Identifiers: MedGen CN230736.
Progressive familial heart block type IB (PFHB1B). Identifiers: Orphanet 871, MedGen C1970298, MONDO:0011474, OMIM 604559.

Allele frequency attached by ClinVar (database versions not stated): gnomAD 0.00001; ExAC 0.00005.
gnomAD v4.1: 40 of 1,605,040 alleles (0.0025%); highest among the groups gnomAD compares: Admixed American, 0.0052%; no homozygotes.

Submissions (2):

Labcorp Genetics (formerly Invitae), Labcorp
Classification: Uncertain significance for Progressive familial heart block type IB. Last evaluated: 2025-06-12. Review status: criteria provided, single submitter. Criteria: Invitae Variant Classification Sherloc (09022015). Collection method: clinical testing. Allele origin: germline.
Comment: This sequence change replaces arginine, which is basic and polar, with serine, which is neutral and polar, at codon 1184 of the TRPM4 protein (p.Arg1184Ser). This variant is present in population databases (rs779436318, gnomAD 0.006%). This variant has not been reported in the literature in individuals affected with TRPM4-related conditions. ClinVar contains an entry for this variant (Variation ID: 2448580). An algorithm developed to predict the effect of missense changes on protein structure and function (PolyPhen-2) suggests that this variant is likely to be tolerated. In summary, the available evidence is currently insufficient to determine the role of this variant in disease. Therefore, it has been classified as a Variant of Uncertain Significance.

Ambry Genetics
Classification: Uncertain significance for Cardiovascular phenotype. Last evaluated: 2024-12-28. Review status: criteria provided, single submitter. Criteria: Ambry Variant Classification Scheme 2023. Collection method: clinical testing. Allele origin: germline.
Comment: The p.R1184S variant (also known as c.3550C>A), located in coding exon 24 of the TRPM4 gene, results from a C to A substitution at nucleotide position 3550. The arginine at codon 1184 is replaced by serine, an amino acid with dissimilar properties. This amino acid position is conserved. In addition, this alteration is predicted to be tolerated by in silico analysis. Since supporting evidence is limited at this time, the clinical significance of this alteration remains unclear.